The following is an entry in ClinVar:

ClinVar aggregate classification (germline): Likely pathogenic (1 of 4 stars; one submission).

Conditions:
OTOA-related disorder. Also called: OTOA-related condition.

gnomAD v4.1: 1 of 1,614,126 alleles (0.000062%); highest among the groups gnomAD compares: Admixed American, 0.0017%; no homozygotes.

Submission:

PreventionGenetics, part of Exact Sciences
Classification: Likely pathogenic for OTOA-related condition. Last evaluated: 2025-10-14. Review status: criteria provided, single submitter. Criteria: ACMG Guidelines, 2015. Collection method: clinical testing. Allele origin: germline.
Comment: The OTOA c.1488+1G>A variant is predicted to disrupt the GT donor site and interfere with normal splicing. To our knowledge, this variant has not been reported in the literature or in a large population database (gnomAD), indicating this variant is rare. Variants that disrupt the consensus splice donor site in OTOA are expected to be pathogenic. This variant is interpreted as likely pathogenic.

NM_144672.4(OTOA):c.1488+1G>A

Gene: OTOA (otoancorin). Cytogenetic location: 16p12.2.
Variant type: single nucleotide variant.
Coding change: c.1488+1G>A on transcript NM_144672.4 (MANE Select); the canonical splice donor site of the intron after coding-DNA position 1488, G replaced by A.
Molecular consequence: splice donor variant.
Genome position (GRCh38, 1-based): chr16:21,715,153, G>A. VCF-style: chr16-21715153-G-A. GRCh37 (hg19) VCF-style: chr16-21726474-G-A.
Other names: c.1251+1G>A (NM_001161683.2); c.516+1G>A (NM_170664.3).
Identifiers: ClinVar variation 4991260 (VCV004991260.1).